The following is an entry in ClinVar:

ClinVar aggregate classification (germline): Uncertain significance (1 of 4 stars; one submission).

Conditions:
Cardiomyopathy (CMYO). Also called: Cardiomyopathies. Identifiers: Orphanet 167848, MedGen C0878544, MONDO:0004994, HP:0001638. Inheritance: Various modes of inheritance.

Submission:

Color Diagnostics, LLC DBA Color Health
Classification: Uncertain significance for Cardiomyopathy. Last evaluated: 2025-06-25. Review status: criteria provided, single submitter. Criteria: ACMG Guidelines, 2015. Collection method: clinical testing. Allele origin: germline.
Comment: This missense variant replaces lysine with asparagine at codon 244 of the MYBPC3 protein. Computational prediction suggests that this variant may have a deleterious impact on protein structure and function. To our knowledge, functional studies have not been reported for this variant. This variant has not been reported in individuals affected with MYBPC3-related disorders in the literature. This variant has not been identified in the general population by the Genome Aggregation Database (gnomAD). The available evidence is insufficient to determine the role of this variant in disease conclusively. Therefore, this variant is classified as a Variant of Uncertain Significance.

NM_000256.3(MYBPC3):c.732G>T (p.Lys244Asn)

Gene: MYBPC3 (myosin binding protein C3; minus strand). Cytogenetic location: 11p11.2.
Variant type: single nucleotide variant.
Coding change: c.732G>T on transcript NM_000256.3 (MANE Select); coding-DNA position 732, G replaced by T.
Protein change: p.Lys244Asn; replaces lysine 244 with asparagine.
Molecular consequence: missense variant.
Genome position (GRCh38, 1-based): chr11:47,348,464, C>A on the plus strand (G>T on the coding strand, the complement: MYBPC3 is on the minus strand). VCF-style: chr11-47348464-C-A. GRCh37 (hg19) VCF-style: chr11-47370015-C-A.
Other names: short protein forms K244N.
Identifiers: ClinVar variation 4756881 (VCV004756881.1).